The following is an entry in ClinVar:

ClinVar aggregate classification (germline): Uncertain significance. Review status: criteria provided, multiple submitters, no conflicts (2 of 4 stars). 2 submissions from 2 submitters: Uncertain significance (2). Last evaluated 2021-10-16.

Conditions:
SKIN/HAIR/EYE PIGMENTATION 5, BLACK/NONBLACK HAIR (SHEP5). Also called: SKIN/HAIR/EYE PIGMENTATION, VARIATION IN, 5; SKIN/HAIR/EYE PIGMENTATION 5, DARK/FAIR SKIN; SKIN/HAIR/EYE PIGMENTATION 5, DARK/LIGHT EYES. Identifiers: MedGen C2673584, OMIM 227240.
Oculocutaneous albinism type 4 (OCA4). Also called: Albinism, oculocutaneous, type IV. Identifiers: Orphanet 79435, MedGen C1847836, MONDO:0011683, OMIM 606574.

Allele frequency attached by ClinVar (database versions not stated): gnomAD exomes 0.00001; ExAC 0.00001; TOPMed 0.00001.
gnomAD v4.1: 25 of 1,614,186 alleles (0.0015%); highest among the groups gnomAD compares: Non-Finnish European, 0.0019%; no homozygotes.

Submissions (2):

Labcorp Genetics (formerly Invitae), Labcorp
Classification: Uncertain significance. Last evaluated: 2021-10-16. Review status: criteria provided, single submitter. Criteria: Invitae Variant Classification Sherloc (09022015). Collection method: clinical testing. Allele origin: germline.
Comment: This sequence change replaces methionine with leucine at codon 265 of the SLC45A2 protein (p.Met265Leu). The methionine residue is weakly conserved and there is a small physicochemical difference between methionine and leucine. This variant is present in population databases (rs754221547, ExAC 0.002%). This missense change has been observed in individual(s) with clinical features of oculocutaneous albinism (PMID: 24096233). Algorithms developed to predict the effect of missense changes on protein structure and function output the following: SIFT: "Tolerated"; PolyPhen-2: "Benign"; Align-GVGD: "Class C0". The leucine amino acid residue is found in multiple mammalian species, which suggests that this missense change does not adversely affect protein function. In summary, the available evidence is currently insufficient to determine the role of this variant in disease. Therefore, it has been classified as a Variant of Uncertain Significance.

Fulgent Genetics
Classification: Uncertain significance for SKIN/HAIR/EYE PIGMENTATION 5, BLACK/NONBLACK HAIR; Oculocutaneous albinism type 4. Last evaluated: 2021-07-25. Review status: criteria provided, single submitter. Criteria: ACMG Guidelines, 2015. Collection method: clinical testing. Allele origin: unknown.

Literature cited by the submitters: PubMed 24096233 (cited by Labcorp Genetics (formerly Invitae), Labcorp).

NM_016180.5(SLC45A2):c.793A>T (p.Met265Leu)

Gene: SLC45A2 (solute carrier family 45 member 2; minus strand). Cytogenetic location: 5p13.2.
Variant type: single nucleotide variant.
Coding change: c.793A>T on transcript NM_016180.5 (MANE Select); coding-DNA position 793, A replaced by T.
Protein change: p.Met265Leu; replaces methionine 265 with leucine.
Molecular consequence: missense variant. On other transcripts: intron variant (1).
Genome position (GRCh38, 1-based): chr5:33,963,786, T>A on the plus strand (A>T on the coding strand, the complement: SLC45A2 is on the minus strand). VCF-style: chr5-33963786-T-A. GRCh37 (hg19) VCF-style: chr5-33963891-T-A.
Other names: c.563-9282A>T (NM_001297417.4); c.793A>T, p.Met265Leu (NM_001012509.4); short protein forms M265L.
Identifiers: ClinVar variation 1366403 (VCV001366403.4), dbSNP rs754221547, ClinGen allele CA3225701.
Genomic context (GRCh38, chr5:33,963,786, plus strand): 5'-TTGCCAGCTCTGGATTTACGTAACCATTTTTAACTTTCTCGATAGAACCATACTCGTACA[T>A]TCCATCTGATGACAATGGAGGGTCCTGAGGGGTTTGCTGTGGGGGAATGCCCTTTGCAAC-3'
Protein context (NP_057264.4, residues 255-275): PQDPPLSSDG[Met265Leu]YEYGSIEKVK